The following is an entry in ClinVar:

ClinVar aggregate classification (germline): Pathogenic (1 of 4 stars; one submission).

Conditions:
Hereditary cancer-predisposing syndrome. Also called: Neoplastic Syndromes, Hereditary; Tumor predisposition; Hereditary neoplastic syndrome; Hereditary Cancer Syndrome. Identifiers: Orphanet 140162, MedGen C0027672, MeSH D009386, MONDO:0015356.

Submission:

Ambry Genetics
Classification: Pathogenic for Hereditary cancer-predisposing syndrome. Last evaluated: 2026-07-24. Review status: criteria provided, single submitter. Criteria: Ambry Variant Classification Scheme 2023. Collection method: clinical testing. Allele origin: germline.
Comment: The c.224_242dup19 pathogenic mutation, located in coding exon 2 of the FH gene, results from a duplication of CTACGATGAACTTTAAGAT at nucleotide positions 224 through 242, causing a translational frameshift with a predicted alternate stop codon (p.G82Yfs*5). This variant is considered to be rare based on population cohorts in the Genome Aggregation Database (gnomAD). This alteration is expected to result in loss of function by premature protein truncation or nonsense-mediated mRNA decay. As such, this alteration is interpreted as a disease-causing mutation.

NM_000143.4(FH):c.224_242dup (p.Ile81_Gly82insTyrAspGluLeuTer)

Gene: FH (fumarate hydratase; minus strand). Cytogenetic location: 1q43.
Variant type: Duplication.
Coding change: c.224_242dup on transcript NM_000143.4 (MANE Select); coding-DNA positions 224 to 242, 19 bases duplicated (CTACGATGAACTTTAAGAT).
Protein change: p.Ile81_Gly82insTyrAspGluLeuTer.
Molecular consequence: nonsense. On other transcripts: frameshift variant (1).
Genome position (GRCh38, 1-based): chr1:241,517,207-241,517,225, ATCTTAAAGTTCATCGTAG duplicated on the plus strand (CTACGATGAACTTTAAGAT on the coding strand, the reverse complement: FH is on the minus strand); duplicating any 19 consecutive bases within chr1:241,517,207-241,517,229 gives the same sequence; the c. name uses the placement nearest the transcript's 3' end. VCF-style (leftmost placement, unchanged base first): chr1-241517206-A-AATCTTAAAGTTCATCGTAG. GRCh37 (hg19) VCF-style: chr1-241680506-A-AATCTTAAAGTTCATCGTAG.
Other names: c.224_242dupCTACGATGAACTTTAAGAT (NM_000143.3).
Identifiers: ClinVar variation 5021769 (VCV005021769.1).